The following is an entry in ClinVar:

ClinVar aggregate classification (germline): Pathogenic. Review status: criteria provided, multiple submitters, no conflicts (2 of 4 stars). 10 submissions from 10 submitters: Pathogenic (8). 2 of the submissions do not count toward it. Last evaluated 2026-08-17.

Conditions:
THRB-related disorder. Also called: THRB-related condition.
Hyperthyroidism. Identifiers: MedGen C0020550, MONDO:0004425, HP:0000836.
Thyroid hormone resistance, generalized, autosomal dominant (GRTHD). Also called: HYPERTHYROXINEMIA, FAMILIAL EUTHYROID, SECONDARY TO PITUITARY AND PERIPHERAL RESISTANCE TO THYROID HORMONES. Identifiers: MedGen C2937288, MONDO:0008569, OMIM 188570.

Submissions (10):

Cambridge Genomics Laboratory, East Genomic Laboratory Hub, NHS Genomic Medicine Service
Classification: Pathogenic for Hyperthyroidism. Last evaluated: 2026-08-17. Review status: criteria provided, single submitter. Criteria: ACGS Best Practice Guidelines for Variant Classification in Rare Disease 2020. Collection method: clinical testing. Allele origin: germline. Affected: yes.
Comment: PS3_Supporting,PS4_Moderate,PM1_Supporting,PM2,PM5,PP1_Strong,PP3

PreventionGenetics, part of Exact Sciences
Classification: Pathogenic for THRB-related condition. Last evaluated: 2026-02-24. Review status: criteria provided, single submitter. Criteria: ACMG Guidelines, 2015. Collection method: clinical testing. Allele origin: germline.
Comment: The THRB c.1357C>A variant is predicted to result in the amino acid substitution p.Pro453Thr. This variant (also known as Pro448Thr) has been reported in the heterozygous state in multiple individuals and families with thyroid hormone resistance (Parrilla et al. 1991. PubMed ID: 1661299; Table 1, Cardoso et al. 2014. PubMed ID: 25063548; Table 2, Macchia et al. 2014. PubMed ID: 25040256), supporting an autosomal dominant mode of inheritance. This variant has not been reported in a large population database, indicating this variant is rare. Alternate nucleotide changes affecting the same amino acid (p.Pro453Ala, p.Pro453Ser, p.Pro453His) have been reported in individuals with thyroid hormone resistance (Adams et al. 1994. PubMed ID: 8040303; Usala et al. 1990. PubMed ID: 2153155). This variant is interpreted as pathogenic.

Quest Diagnostics Nichols Institute San Juan Capistrano
Classification: Pathogenic. Last evaluated: 2025-08-12. Review status: criteria provided, single submitter. Criteria: Quest Diagnostics criteria. Collection method: clinical testing. Allele origin: unknown.
Comment: The THRB c.1357C>A (p.Pro453Thr) variant (also known as Pro448Thr) has been reported in the published literature in individuals and families affected with resistance to thyroid hormone (RTH) (PMID: 1661299 (1991), 8514853 (1993), 19268523 (2009), and 25867808 (2015), 32581500 (2019), 33126322 (2020), 36531240 (2022)). Family studies have shown that this variant co-segregates with disease within families (PMID: 16099238 (2005), 21340159 (2010), 30430796 (2018)). Published functional studies indicate this variant severely reduces the ability of the thyroid hormone receptor to bind the T3 hormone (PMID: 1619012 (1992), 8040303 (1994)). This variant has not been reported in large, multi-ethnic general populations (Genome Aggregation Database). Analysis of this variant using bioinformatics tools for the prediction of the effect of amino acid changes on protein structure and function yielded predictions that this variant is damaging. Based on the available information, this variant is classified as pathogenic.

Laboratory of Genetics, Children's Clinical University Hospital Latvia
Classification: Pathogenic. Last evaluated: 2025-02-16. Review status: criteria provided, single submitter. Criteria: ACMG Guidelines, 2015. Collection method: clinical testing. Allele origin: germline. Affected: yes.

Blueprint Genetics
Classification: Pathogenic for THRB-related disorders. Last evaluated: 2023-09-14. Review status: criteria provided, single submitter. Criteria: ACMG Guidelines, 2015. Collection method: clinical testing. Allele origin: germline. Affected: yes. Observed: 3 variant alleles.

Women's Health and Genetics/Laboratory Corporation of America, LabCorp
Classification: Pathogenic for Thyroid hormone resistance, generalized, autosomal dominant. Last evaluated: 2023-04-19. Review status: criteria provided, single submitter. Criteria: LabCorp Variant Classification Summary - May 2015. Collection method: clinical testing. Allele origin: germline.
Comment: Variant summary: THRB c.1357C>A (p.Pro453Thr) results in a non-conservative amino acid change located in the Nuclear hormone receptor, ligand-binding domain (IPR000536) of the encoded protein sequence. Five of five in-silico tools predict a damaging effect of the variant on protein function. The variant was absent in 251490 control chromosomes (gnomAD). c.1357C>A has been reported in the literature in multiple individuals affected with Thyroid Hormone Resistance, Generalized, Autosomal Dominant and the variant segregated with the disease (examples: Parrilla_1991, Shuto_1992, Adams_1994). These data indicate that the variant is very likely to be associated with disease. Multiple reports have provided experimental evidence evaluating an impact on protein function. The most pronounced variant effect results in <10% of normal activity (example: Shuto_1992, Adams_1994). Other variants affecting the same codon are classified pathogenic in ClinVar. Two clinical diagnostic laboratories have submitted clinical-significance assessments for this variant to ClinVar after 2014 and all classified the variant as pathogenic. Based on the evidence outlined above, the variant was classified as pathogenic.

GeneDx
Classification: Pathogenic. Last evaluated: 2022-11-16. Review status: criteria provided, single submitter. Criteria: GeneDx Variant Classification Process June 2021. Collection method: clinical testing. Allele origin: germline. Affected: yes.
Comment: Published functional studies demonstrate a damaging effect (Parilla et al., 1991; Macchia et al., 2014); Not observed at significant frequency in large population cohorts (gnomAD); This variant is associated with the following publications: (PMID: 22947347, 9349583, 33126322, 1661299, 30430796, 8040303, 21340159, 25867808, 16099238, 19725132, 8514853, 8013151, 2153155, 25063548, 32581500, 23926384, 25040256, 1619012, 19268523)

Eurofins Ntd Llc (ga)
Classification: Pathogenic. Last evaluated: 2015-12-08. Review status: criteria provided, single submitter. Criteria: EGL Classification Definitions 2015. Collection method: clinical testing. Allele origin: germline. Observed: 1 variant allele, 1 heterozygote.

Clinical Molecular Genetics Laboratory, Johns Hopkins All Children's Hospital
Classification: Pathogenic for Thyroid hormone resistance, generalized, autosomal dominant. Last evaluated: 2008-10-06. Review status: no assertion criteria provided. Collection method: clinical testing. Allele origin: germline. Affected: yes. Not counted in ClinVar's aggregate classification.

OMIM
Classification: Pathogenic for THYROID HORMONE RESISTANCE, GENERALIZED, AUTOSOMAL DOMINANT. Last evaluated: 1994-05-01. Review status: no assertion criteria provided. Collection method: literature only. Allele origin: germline. Not counted in ClinVar's aggregate classification.

Literature cited by the submitters: PubMed 25867808 (cited by Quest Diagnostics Nichols Institute San Juan Capistrano and Eurofins Ntd Llc (ga)); PubMed 21340159 (cited by Quest Diagnostics Nichols Institute San Juan Capistrano and Eurofins Ntd Llc (ga)); PubMed 16099238 (cited by Quest Diagnostics Nichols Institute San Juan Capistrano and Eurofins Ntd Llc (ga)); PubMed 8013151 (cited by Quest Diagnostics Nichols Institute San Juan Capistrano and OMIM); PubMed 36531240 (cited by Quest Diagnostics Nichols Institute San Juan Capistrano); PubMed 33126322 (cited by Quest Diagnostics Nichols Institute San Juan Capistrano); PubMed 32581500 (cited by Quest Diagnostics Nichols Institute San Juan Capistrano); PubMed 30430796 (cited by Quest Diagnostics Nichols Institute San Juan Capistrano); PubMed 8040303 (cited by Quest Diagnostics Nichols Institute San Juan Capistrano and Women's Health and Genetics/Laboratory Corporation of America, LabCorp); PubMed 23926384 (cited by Quest Diagnostics Nichols Institute San Juan Capistrano); PubMed 1661299 (cited by 3 submitters); PubMed 1619012 (cited by 3 submitters); PubMed 19268523 (cited by Quest Diagnostics Nichols Institute San Juan Capistrano); PubMed 8514853 (cited by Quest Diagnostics Nichols Institute San Juan Capistrano and OMIM); PubMed 2153155 (cited by OMIM).

NM_001354712.2(THRB):c.1357C>A (p.Pro453Thr)

Gene: THRB (thyroid hormone receptor beta; minus strand). Cytogenetic location: 3p24.2.
Variant type: single nucleotide variant.
Coding change: c.1357C>A on transcript NM_001354712.2 (MANE Select); coding-DNA position 1357, C replaced by A.
Protein change: p.Pro453Thr; replaces proline 453 with threonine.
Molecular consequence: missense variant.
Genome position (GRCh38, 1-based): chr3:24,122,913, G>T on the plus strand (C>A on the coding strand, the complement: THRB is on the minus strand). VCF-style: chr3-24122913-G-T. GRCh37 (hg19) VCF-style: chr3-24164404-G-T.
Other names: c.1357C>A, p.Pro453Thr (NM_000461.5, NM_001128176.3, NM_001128177.2 and 6 more transcripts); c.1264C>A, p.Pro422Thr (NM_001354714.2, NM_001354715.2); short protein forms P453T, P422T.
Identifiers: ClinVar variation 12550 (VCV000012550.16), dbSNP rs28933408, ClinGen allele CA122481.
Genomic context (GRCh38, chr3:24,122,913, plus strand): 5'-TGTAGGAATTATGAGAATGAATCCAGTCAGTCTAATCCTCGAACACTTCCAAGAACAAAG[G>T]GGGGAAGAGTTCTGTGGGGCATTCCACCTTCATGTGCAGGAAGCGGCTGGCATGGCAGGC-3'
Protein context (NP_001341641.1, residues 443-461): KVECPTELFP[Pro453Thr]LFLEVFED